The following is an entry in ClinVar:

ClinVar aggregate classification (germline): Uncertain significance (1 of 4 stars; one submission).

Conditions:
Sulfite oxidase deficiency due to molybdenum cofactor deficiency type C. Also called: Molybdenum cofactor deficiency, complementation group C; Molybdenum cofactor deficiency C. Identifiers: Orphanet 308400, Orphanet 833, MedGen C1854990, MONDO:0014212, OMIM 615501.

Allele frequency attached by ClinVar (database versions not stated): gnomAD exomes below 0.00001 and 0.00001; gnomAD 0.00001; TOPMed 0.00001.
gnomAD v4.1: 13 of 1,574,054 alleles (0.00083%); highest among the groups gnomAD compares: African/African-American, 0.0041%; 1 homozygote.

Submission:

Labcorp Genetics (formerly Invitae), Labcorp
Classification: Uncertain significance for Sulfite oxidase deficiency due to molybdenum cofactor deficiency type C. Last evaluated: 2025-06-12. Review status: criteria provided, single submitter. Criteria: Invitae Variant Classification Sherloc (09022015). Collection method: clinical testing. Allele origin: germline.
Comment: This sequence change replaces isoleucine, which is neutral and non-polar, with threonine, which is neutral and polar, at codon 63 of the GPHN protein (p.Ile63Thr). This variant is present in population databases (no rsID available, gnomAD 0.0009%). This variant has not been reported in the literature in individuals affected with GPHN-related conditions. ClinVar contains an entry for this variant (Variation ID: 1493300). Invitae Evidence Modeling of protein sequence and biophysical properties (such as structural, functional, and spatial information, amino acid conservation, physicochemical variation, residue mobility, and thermodynamic stability) indicates that this missense variant is not expected to disrupt GPHN protein function with a negative predictive value of 80%. In summary, the available evidence is currently insufficient to determine the role of this variant in disease. Therefore, it has been classified as a Variant of Uncertain Significance.

NM_020806.5(GPHN):c.188T>C (p.Ile63Thr)

Gene: GPHN (gephyrin; plus strand). Cytogenetic location: 14q23.3.
Variant type: single nucleotide variant.
Coding change: c.188T>C on transcript NM_020806.5 (MANE Select); coding-DNA position 188, T replaced by C.
Protein change: p.Ile63Thr; replaces isoleucine 63 with threonine.
Molecular consequence: missense variant.
Genome position (GRCh38, 1-based): chr14:66,776,508, T>C. VCF-style: chr14-66776508-T-C. GRCh37 (hg19) VCF-style: chr14-67243226-T-C.
Other names: c.188T>C, p.Ile63Thr (NM_001024218.2, NM_001377514.1, NM_001377515.1 and 4 more transcripts); short protein forms I63T.
Identifiers: ClinVar variation 1493300 (VCV001493300.8), dbSNP rs1432346978, ClinGen allele CA390255268.